The following is an entry in ClinVar:

NM_078470.6(COX15):c.*1166A>T

Gene: COX15 (cytochrome c oxidase assembly homolog COX15; minus strand). Cytogenetic location: 10q24.2.
Variant type: single nucleotide variant.
Coding change: c.*1166A>T on transcript NM_078470.6 (MANE Select); 1166 bases downstream of the stop codon, A replaced by T.
Molecular consequence: 3 prime UTR variant. On other transcripts: missense variant (1), non-coding transcript variant (1), intron variant (1).
Genome position (GRCh38, 1-based): chr10:99,713,421, T>A on the plus strand (A>T on the coding strand, the complement: COX15 is on the minus strand). VCF-style: chr10-99713421-T-A. GRCh37 (hg19) VCF-style: chr10-101473178-T-A.
Other names: c.*1347A>T (NM_001320975.2); c.*1166A>T (NM_001320976.2, NM_001372025.1, NM_001372026.1); c.*385A>T (NM_001372024.1); c.*1270A>T (NM_001372027.1); c.*593A>T (NM_001372028.1); c.1160A>T, p.Asn387Ile (NM_004376.7); c.1101+2927A>T (NM_001320974.2); short protein forms N387I.
Identifiers: ClinVar variation 1976071 (VCV001976071.2), dbSNP rs146008497, ClinGen allele CA378101049.

ClinVar aggregate classification (germline): Uncertain significance (1 of 4 stars; one submission).

gnomAD v4.1: 4 of 1,613,908 alleles (0.00025%); highest among the groups gnomAD compares: African/African-American, 0.0053%; no homozygotes.

Submission:

Labcorp Genetics (formerly Invitae), Labcorp
Classification: Uncertain significance. Last evaluated: 2022-03-14. Review status: criteria provided, single submitter. Criteria: Invitae Variant Classification Sherloc (09022015). Collection method: clinical testing. Allele origin: germline.
Comment: This sequence change replaces asparagine, which is neutral and polar, with isoleucine, which is neutral and non-polar, at codon 387 of the COX15 protein (p.Asn387Ile). This variant is not present in population databases (gnomAD no frequency). This variant has not been reported in the literature in individuals affected with COX15-related conditions. Algorithms developed to predict the effect of missense changes on protein structure and function are either unavailable or do not agree on the potential impact of this missense change (SIFT: "Not Available"; PolyPhen-2: "Benign"; Align-GVGD: "Not Available"). In summary, the available evidence is currently insufficient to determine the role of this variant in disease. Therefore, it has been classified as a Variant of Uncertain Significance.